The following is an entry in ClinVar:

NM_015466.4(PTPN23):c.3179T>C (p.Met1060Thr)

Gene: PTPN23 (protein tyrosine phosphatase non-receptor type 23; plus strand). Cytogenetic location: 3p21.31.
Variant type: single nucleotide variant.
Coding change: c.3179T>C on transcript NM_015466.4 (MANE Select); coding-DNA position 3179, T replaced by C.
Protein change: p.Met1060Thr; replaces methionine 1060 with threonine.
Molecular consequence: missense variant.
Genome position (GRCh38, 1-based): chr3:47,410,977, T>C. VCF-style: chr3-47410977-T-C. GRCh37 (hg19) VCF-style: chr3-47452467-T-C.
Other names: c.2801T>C, p.Met934Thr (NM_001304482.2); short protein forms M1060T, M934T.
Identifiers: ClinVar variation 1487576 (VCV001487576.5), dbSNP rs769388012, ClinGen allele CA2366212.

ClinVar aggregate classification (germline): Uncertain significance (1 of 4 stars; one submission).

Allele frequency attached by ClinVar (database versions not stated): gnomAD exomes 0.00001; ExAC 0.00002.

Submission:

Labcorp Genetics (formerly Invitae), Labcorp
Classification: Uncertain significance. Last evaluated: 2022-05-27. Review status: criteria provided, single submitter. Criteria: Invitae Variant Classification Sherloc (09022015). Collection method: clinical testing. Allele origin: germline.
Comment: This sequence change replaces methionine, which is neutral and non-polar, with threonine, which is neutral and polar, at codon 1060 of the PTPN23 protein (p.Met1060Thr). This variant is present in population databases (rs769388012, gnomAD 0.009%). This variant has not been reported in the literature in individuals affected with PTPN23-related conditions. Algorithms developed to predict the effect of missense changes on protein structure and function (SIFT, PolyPhen-2, Align-GVGD) all suggest that this variant is likely to be tolerated. In summary, the available evidence is currently insufficient to determine the role of this variant in disease. Therefore, it has been classified as a Variant of Uncertain Significance.